The following is an entry in ClinVar:

ClinVar aggregate classification (germline): Uncertain significance. Review status: criteria provided, multiple submitters, no conflicts (2 of 4 stars). 3 submissions from 3 submitters: Uncertain significance (3). Last evaluated 2024-11-25.

gnomAD v4.1: 16 of 1,614,220 alleles (0.00099%); highest among the groups gnomAD compares: East Asian, 0.0067%; no homozygotes.

Submissions (3):

Blueprint Genetics
Classification: Uncertain significance. Last evaluated: 2024-11-25. Review status: criteria provided, single submitter. Criteria: ACMG Guidelines, 2015. Collection method: clinical testing. Allele origin: germline.

Ambry Genetics
Classification: Uncertain significance. Last evaluated: 2024-03-12. Review status: criteria provided, single submitter. Criteria: Ambry Variant Classification Scheme 2023. Collection method: clinical testing. Allele origin: germline.

Labcorp Genetics (formerly Invitae), Labcorp
Classification: Uncertain significance. Last evaluated: 2022-07-16. Review status: criteria provided, single submitter. Criteria: Invitae Variant Classification Sherloc (09022015). Collection method: clinical testing. Allele origin: germline.
Comment: This sequence change replaces arginine, which is basic and polar, with cysteine, which is neutral and slightly polar, at codon 480 of the C8A protein (p.Arg480Cys). This variant is present in population databases (rs774470099, gnomAD 0.02%). This variant has not been reported in the literature in individuals affected with C8A-related conditions. ClinVar contains an entry for this variant (Variation ID: 1414473). Algorithms developed to predict the effect of missense changes on protein structure and function are either unavailable or do not agree on the potential impact of this missense change (SIFT: "Deleterious"; PolyPhen-2: "Benign"; Align-GVGD: "Class C55"). In summary, the available evidence is currently insufficient to determine the role of this variant in disease. Therefore, it has been classified as a Variant of Uncertain Significance.

NM_000562.3(C8A):c.1438C>T (p.Arg480Cys)

Gene: C8A (complement C8 alpha chain; plus strand). Cytogenetic location: 1p32.2.
Variant type: single nucleotide variant.
Coding change: c.1438C>T on transcript NM_000562.3 (MANE Select); coding-DNA position 1438, C replaced by T.
Protein change: p.Arg480Cys; replaces arginine 480 with cysteine.
Molecular consequence: missense variant.
Genome position (GRCh38, 1-based): chr1:56,912,460, C>T. VCF-style: chr1-56912460-C-T. GRCh37 (hg19) VCF-style: chr1-57378133-C-T.
Other names: c.1438C>T (NM_000562.2); short protein forms R480C.
Identifiers: ClinVar variation 1414473 (VCV001414473.7), dbSNP rs774470099, ClinGen allele CA875388.